The following is an entry in ClinVar:

NM_000784.4(CYP27A1):c.256G>A (p.Val86Met)

Gene: CYP27A1 (cytochrome P450 family 27 subfamily A member 1; plus strand). Cytogenetic location: 2q35.
Variant type: single nucleotide variant.
Coding change: c.256G>A on transcript NM_000784.4 (MANE Select); coding-DNA position 256, G replaced by A.
Protein change: p.Val86Met; replaces valine 86 with methionine.
Molecular consequence: missense variant.
Genome position (GRCh38, 1-based): chr2:218,809,577, G>A. VCF-style: chr2-218809577-G-A. GRCh37 (hg19) VCF-style: chr2-219674300-G-A.
Other names: p.Val86Met; short protein forms V86M.
Identifiers: ClinVar variation 498095 (VCV000498095.29), dbSNP rs200604732, ClinGen allele CA2112558.

ClinVar aggregate classification (germline): Benign/Likely benign. Review status: criteria provided, multiple submitters, no conflicts (2 of 4 stars). 7 submissions from 7 submitters: Benign (5); Likely benign (1). 1 of the submissions does not count toward it. Last evaluated 2026-04-01.

Conditions:
Cardiovascular phenotype. Identifiers: MedGen CN230736.
Cholestanol storage disease (CTX). Also called: CTX: Cerebrotendinous xanthomatosis; Cerebrotendinous Xanthomatosis; CEREBRAL CHOLESTERINOSIS. Identifiers: Orphanet 909, MedGen C0238052, MONDO:0008948, OMIM 213700.

Allele frequency attached by ClinVar (database versions not stated): ESP Exome Variant Server 0.00008; gnomAD 0.00010 and 0.00051; TOPMed 0.00014; gnomAD exomes 0.00091 and 0.00177; ExAC 0.00190; 1000 Genomes Project 30x 0.00234; 1000 Genomes Project 0.00260.
gnomAD v4.1: 1,395 of 1,612,366 alleles (0.087%); highest among the groups gnomAD compares: South Asian, 1.3%; 23 homozygotes.

Submissions (7):

CeGaT Center for Human Genetics Tuebingen
Classification: Benign. Last evaluated: 2026-04-01. Review status: criteria provided, single submitter. Criteria: CeGaT Center For Human Genetics Tuebingen Variant Classification Criteria Version 2. Collection method: clinical testing. Allele origin: germline. Affected: yes. Observed: 4 variant alleles.
Comment: CYP27A1: BP4, BS1, BS2

Labcorp Genetics (formerly Invitae), Labcorp
Classification: Benign for Cholestanol storage disease. Last evaluated: 2026-01-27. Review status: criteria provided, single submitter. Criteria: Invitae Variant Classification Sherloc (09022015). Collection method: clinical testing. Allele origin: germline.

Mayo Clinic Laboratories, Mayo Clinic
Classification: Benign. Last evaluated: 2025-06-11. Review status: criteria provided, single submitter. Criteria: ACMG Guidelines, 2015. Collection method: clinical testing. Allele origin: germline. Observed: 4 variant alleles.
Comment: BS1, BS2, BP4_moderate

Ambry Genetics
Classification: Benign for Cardiovascular phenotype. Last evaluated: 2025-04-01. Review status: criteria provided, single submitter. Criteria: Ambry Variant Classification Scheme 2023. Collection method: clinical testing. Allele origin: germline.

Illumina Laboratory Services, Illumina
Classification: Likely benign for Cholestanol storage disease. Last evaluated: 2017-04-27. Review status: criteria provided, single submitter. Criteria: ICSL Variant Classification Criteria 13 December 2019. Collection method: clinical testing. Allele origin: germline.
Comment: This variant was observed as part of a predisposition screen in an ostensibly healthy population. A literature search was performed for the gene, cDNA change, and amino acid change (where applicable). Publications were found based on this search. The evidence from the literature, in combination with allele frequency data from public databases where available, was sufficient to determine this variant is unlikely to cause disease. Therefore, this variant is classified as likely benign.

Eurofins Ntd Llc (ga)
Classification: Benign. Last evaluated: 2016-11-28. Review status: criteria provided, single submitter. Criteria: EGL Classification Definitions 2015. Collection method: clinical testing. Allele origin: germline. Observed: 1 variant allele, 1 heterozygote.

Natera, Inc.
Classification: Benign for Cerebrotendinous xanthomatosis. Last evaluated: 2020-04-25. Review status: no assertion criteria provided. Collection method: clinical testing. Allele origin: germline. Not counted in ClinVar's aggregate classification.

Literature cited by the submitters: PubMed 24080357 (cited by 3 submitters); PubMed 20450308 (cited by Ambry Genetics and Illumina Laboratory Services, Illumina).